The following is an entry in ClinVar:

NM_001015877.2(PHF6):c.763A>G (p.Thr255Ala)

Gene: PHF6 (PHD finger protein 6; plus strand). Cytogenetic location: Xq26.2.
Variant type: single nucleotide variant.
Coding change: c.763A>G on transcript NM_001015877.2 (MANE Select); coding-DNA position 763, A replaced by G.
Protein change: p.Thr255Ala; replaces threonine 255 with alanine.
Molecular consequence: missense variant.
Genome position (GRCh38, 1-based): chrX:134,415,049, A>G. VCF-style: chrX-134415049-A-G. GRCh37 (hg19) VCF-style: chrX-133549079-A-G.
Other names: c.766A>G, p.Thr256Ala (NM_032335.3); c.763A>G, p.Thr255Ala (NM_032458.3); short protein forms T256A, T255A.
Identifiers: ClinVar variation 5009220 (VCV005009220.1).

ClinVar aggregate classification (germline): Uncertain significance (1 of 4 stars; one submission).

Submission:

GeneDx
Classification: Uncertain significance. Last evaluated: 2026-03-14. Review status: criteria provided, single submitter. Criteria: GeneDx Variant Classification Process June 2021. Collection method: clinical testing. Allele origin: germline.
Comment: Not observed at significant frequency in large population cohorts (gnomAD); In silico analysis suggests that this missense variant does not alter protein structure/function; Has not been previously published as pathogenic or benign to our knowledge